The following is an entry in ClinVar:

NM_017671.5(FERMT1):c.1115T>G (p.Leu372Arg)

Gene: FERMT1 (FERM domain containing kindlin 1; minus strand). Cytogenetic location: 20p12.3.
Variant type: single nucleotide variant.
Coding change: c.1115T>G on transcript NM_017671.5 (MANE Select); coding-DNA position 1115, T replaced by G.
Protein change: p.Leu372Arg; replaces leucine 372 with arginine.
Molecular consequence: missense variant.
Genome position (GRCh38, 1-based): chr20:6,094,963, A>C on the plus strand (T>G on the coding strand, the complement: FERMT1 is on the minus strand). VCF-style: chr20-6094963-A-C. GRCh37 (hg19) VCF-style: chr20-6075610-A-C.
Other names: short protein forms L372R.
Identifiers: ClinVar variation 898987 (VCV000898987.8), dbSNP rs1294299308, ClinGen allele CA408181759.

ClinVar aggregate classification (germline): Uncertain significance. Review status: criteria provided, multiple submitters, no conflicts (2 of 4 stars). 3 submissions from 3 submitters: Uncertain significance (3). Last evaluated 2024-10-20.

Conditions:
Kindler syndrome (KNDLRS). Also called: Poikiloderma of Kindler; Congenital bullous poikiloderma; BULLOUS ACROKERATOTIC POIKILODERMA OF KINDLER AND WEARY; POIKILODERMA, CONGENITAL, WITH BULLAE, WEARY TYPE; POIKILODERMA, HEREDITARY ACROKERATOTIC; Hereditary acrokeratotic poikiloderma of Weary. Identifiers: Orphanet 2908, Orphanet 306539, MedGen C0406557, MONDO:0008260, OMIM 173650.
Inborn genetic diseases. Identifiers: MedGen C0950123, MeSH D030342.

Allele frequency attached by ClinVar (database versions not stated): gnomAD exomes 0.00001 and 0.00002; TOPMed 0.00002; gnomAD 0.00003.
gnomAD v4.1: 16 of 1,541,710 alleles (0.001%); highest among the groups gnomAD compares: Admixed American, 0.0017%; no homozygotes.

Submissions (3):

Ambry Genetics
Classification: Uncertain significance for Inborn genetic diseases. Last evaluated: 2024-10-20. Review status: criteria provided, single submitter. Criteria: Ambry Variant Classification Scheme 2023. Collection method: clinical testing. Allele origin: germline.

Labcorp Genetics (formerly Invitae), Labcorp
Classification: Uncertain significance. Last evaluated: 2022-07-19. Review status: criteria provided, single submitter. Criteria: Invitae Variant Classification Sherloc (09022015). Collection method: clinical testing. Allele origin: germline.
Comment: In summary, the available evidence is currently insufficient to determine the role of this variant in disease. Therefore, it has been classified as a Variant of Uncertain Significance. Algorithms developed to predict the effect of missense changes on protein structure and function (SIFT, PolyPhen-2, Align-GVGD) all suggest that this variant is likely to be disruptive. ClinVar contains an entry for this variant (Variation ID: 898987). This variant has not been reported in the literature in individuals affected with FERMT1-related conditions. This variant is present in population databases (no rsID available, gnomAD 0.004%). This sequence change replaces leucine, which is neutral and non-polar, with arginine, which is basic and polar, at codon 372 of the FERMT1 protein (p.Leu372Arg).

Illumina Laboratory Services, Illumina
Classification: Uncertain significance for Kindler syndrome. Last evaluated: 2018-01-13. Review status: criteria provided, single submitter. Criteria: ICSL Variant Classification Criteria 13 December 2019. Collection method: clinical testing. Allele origin: germline.